The following is an entry in ClinVar:

ClinVar aggregate classification (germline): Uncertain significance. Review status: criteria provided, multiple submitters, no conflicts (2 of 4 stars). 2 submissions from 2 submitters: Uncertain significance (2). Last evaluated 2025-08-04.

Allele frequency attached by ClinVar (database versions not stated): gnomAD exomes below 0.00001; gnomAD 0.00005 and 0.00006; TOPMed 0.00005.

Submissions (2):

Labcorp Genetics (formerly Invitae), Labcorp
Classification: Uncertain significance. Last evaluated: 2025-08-04. Review status: criteria provided, single submitter. Criteria: Invitae Variant Classification Sherloc (09022015). Collection method: clinical testing. Allele origin: germline.
Comment: This sequence change replaces arginine, which is basic and polar, with histidine, which is basic and polar, at codon 84 of the HMX1 protein (p.Arg84His). This variant is not present in population databases (gnomAD no frequency). This variant has not been reported in the literature in individuals affected with HMX1-related conditions. ClinVar contains an entry for this variant (Variation ID: 1503894). Experimental studies and prediction algorithms are not available or were not evaluated, and the functional significance of this variant is currently unknown. In summary, the available evidence is currently insufficient to determine the role of this variant in disease. Therefore, it has been classified as a Variant of Uncertain Significance.

Blueprint Genetics
Classification: Uncertain significance. Last evaluated: 2022-08-23. Review status: criteria provided, single submitter. Criteria: ACMG Guidelines, 2015. Collection method: clinical testing. Allele origin: germline.

NM_018942.3(HMX1):c.251G>A (p.Arg84His)

Gene: HMX1 (H6 family homeobox 1; minus strand). Cytogenetic location: 4p16.1.
Variant type: single nucleotide variant.
Coding change: c.251G>A on transcript NM_018942.3 (MANE Select); coding-DNA position 251, G replaced by A.
Protein change: p.Arg84His; replaces arginine 84 with histidine.
Molecular consequence: missense variant.
Genome position (GRCh38, 1-based): chr4:8,871,364, C>T on the plus strand (G>A on the coding strand, the complement: HMX1 is on the minus strand). VCF-style: chr4-8871364-C-T. GRCh37 (hg19) VCF-style: chr4-8873090-C-T.
Other names: c.251G>A, p.Arg84His (NM_001306142.2); short protein forms R84H.
Identifiers: ClinVar variation 1503894 (VCV001503894.6), dbSNP rs1241616992, ClinGen allele CA356279021.